The following is an entry in ClinVar:

ClinVar aggregate classification (germline): Uncertain significance (1 of 4 stars; one submission).

Conditions:
Intellectual developmental disorder, autosomal recessive 57. Also called: Intellectual disability, autosomal recessive 57. Identifiers: MedGen C4310673, MONDO:0014962, OMIM 617188.

Allele frequency attached by ClinVar (database versions not stated): gnomAD exomes below 0.00001 and 0.00001; TOPMed below 0.00001; gnomAD 0.00001; ExAC 0.00002; ESP Exome Variant Server 0.00008.

Submission:

Baylor Genetics
Classification: Uncertain significance for Intellectual developmental disorder, autosomal recessive 57. Last evaluated: 2020-12-18. Review status: criteria provided, single submitter. Criteria: ACMG Guidelines, 2015. Collection method: clinical testing. Allele origin: unknown. Affected: yes.
Comment: This variant was determined to be of uncertain significance according to ACMG Guidelines, 2015 [PMID:25741868].

NM_024298.5(MBOAT7):c.968C>T (p.Thr323Met)

Gene: MBOAT7 (membrane bound acylglycerophosphatidylinositol O-acyltransferase MBOAT7; minus strand). Cytogenetic location: 19q13.42.
Variant type: single nucleotide variant.
Coding change: c.968C>T on transcript NM_024298.5 (MANE Select); coding-DNA position 968, C replaced by T.
Protein change: p.Thr323Met; replaces threonine 323 with methionine.
Molecular consequence: missense variant.
Genome position (GRCh38, 1-based): chr19:54,178,828, G>A on the plus strand (C>T on the coding strand, the complement: MBOAT7 is on the minus strand). VCF-style: chr19-54178828-G-A. GRCh37 (hg19) VCF-style: chr19-54682545-G-A.
Other names: c.749C>T, p.Thr250Met (NM_001146056.3, NM_001146083.3); c.968C>T, p.Thr323Met (NM_001146082.3); short protein forms T250M, T323M.
Identifiers: ClinVar variation 1028299 (VCV001028299.1), dbSNP rs139499369, ClinGen allele CA309346256.